The following is an entry in ClinVar:

ClinVar aggregate classification (germline): Uncertain significance (1 of 4 stars; one submission).

gnomAD v4.1: 20 of 1,613,904 alleles (0.0012%); highest among the groups gnomAD compares: South Asian, 0.0022%; no homozygotes.

Submission:

Labcorp Genetics (formerly Invitae), Labcorp
Classification: Uncertain significance. Last evaluated: 2025-09-09. Review status: criteria provided, single submitter. Criteria: Invitae Variant Classification Sherloc (09022015). Collection method: clinical testing. Allele origin: germline.
Comment: This sequence change replaces arginine, which is basic and polar, with histidine, which is basic and polar, at codon 611 of the INPPL1 protein (p.Arg611His). This variant is present in population databases (rs773085707, gnomAD 0.01%). This variant has not been reported in the literature in individuals affected with INPPL1-related conditions. ClinVar contains an entry for this variant (Variation ID: 1486477). An algorithm developed to predict the effect of missense changes on protein structure and function (PolyPhen-2) suggests that this variant is likely to be disruptive. In summary, the available evidence is currently insufficient to determine the role of this variant in disease. Therefore, it has been classified as a Variant of Uncertain Significance.

NM_001567.4(INPPL1):c.1832G>A (p.Arg611His)

Gene: INPPL1 (inositol polyphosphate phosphatase like 1; plus strand). Cytogenetic location: 11q13.4.
Variant type: single nucleotide variant.
Coding change: c.1832G>A on transcript NM_001567.4 (MANE Select); coding-DNA position 1832, G replaced by A.
Protein change: p.Arg611His; replaces arginine 611 with histidine.
Molecular consequence: missense variant.
Genome position (GRCh38, 1-based): chr11:72,232,745, G>A. VCF-style: chr11-72232745-G-A. GRCh37 (hg19) VCF-style: chr11-71943789-G-A.
Other names: short protein forms R611H.
Identifiers: ClinVar variation 1486477 (VCV001486477.7), dbSNP rs773085707, ClinGen allele CA6170147.